The following is an entry in ClinVar:

ClinVar aggregate classification (germline): Uncertain significance. Review status: criteria provided, multiple submitters, no conflicts (2 of 4 stars). 2 submissions from 2 submitters: Uncertain significance (2). Last evaluated 2024-10-29.

Conditions:
Familial infantile myasthenia (CMS6). Also called: MYASTHENIC SYNDROME, PRESYNAPTIC, CONGENITAL, ASSOCIATED WITH EPISODIC APNEA; MYASTHENIC SYNDROME, CONGENITAL, 6, PRESYNAPTIC; Congenital myasthenic syndrome type 6. Identifiers: Orphanet 590, MedGen C0393929, MONDO:0009689, OMIM 254210.
Inborn genetic diseases. Identifiers: MedGen C0950123, MeSH D030342.

Allele frequency attached by ClinVar (database versions not stated): gnomAD 0.00002; TOPMed 0.00002.
gnomAD v4.1: 10 of 1,546,028 alleles (0.00065%); highest among the groups gnomAD compares: Admixed American, 0.002%; no homozygotes.

Submissions (2):

Labcorp Genetics (formerly Invitae), Labcorp
Classification: Uncertain significance for Familial infantile myasthenia. Last evaluated: 2024-10-29. Review status: criteria provided, single submitter. Criteria: Invitae Variant Classification Sherloc (09022015). Collection method: clinical testing. Allele origin: germline.
Comment: This sequence change replaces alanine, which is neutral and non-polar, with serine, which is neutral and polar, at codon 95 of the CHAT protein (p.Ala95Ser). This variant is not present in population databases (gnomAD no frequency). This variant has not been reported in the literature in individuals affected with CHAT-related conditions. ClinVar contains an entry for this variant (Variation ID: 955924). Invitae Evidence Modeling of protein sequence and biophysical properties (such as structural, functional, and spatial information, amino acid conservation, physicochemical variation, residue mobility, and thermodynamic stability) indicates that this missense variant is not expected to disrupt CHAT protein function with a negative predictive value of 95%. In summary, the available evidence is currently insufficient to determine the role of this variant in disease. Therefore, it has been classified as a Variant of Uncertain Significance.

Ambry Genetics
Classification: Uncertain significance for Inborn genetic diseases. Last evaluated: 2023-02-15. Review status: criteria provided, single submitter. Criteria: Ambry Variant Classification Scheme 2023. Collection method: clinical testing. Allele origin: germline.

NM_020549.5(CHAT):c.283G>T (p.Ala95Ser)

Gene: CHAT (choline O-acetyltransferase; plus strand). Cytogenetic location: 10q11.23.
Variant type: single nucleotide variant.
Coding change: c.283G>T on transcript NM_020549.5 (MANE Select); coding-DNA position 283, G replaced by T.
Protein change: p.Ala95Ser; replaces alanine 95 with serine.
Molecular consequence: missense variant. On other transcripts: 5 prime UTR variant (4), intron variant (2).
Genome position (GRCh38, 1-based): chr10:49,614,472, G>T. VCF-style: chr10-49614472-G-T. GRCh37 (hg19) VCF-style: chr10-50822518-G-T.
Other names: c.-72G>T (NM_001142929.2, NM_020985.4); c.-34G>T (NM_001142933.2); c.-142G>T (NM_001142934.2); c.-68-2030G>T (NM_020984.4); c.-69+1270G>T (NM_020986.4); short protein forms A95S.
Identifiers: ClinVar variation 955924 (VCV000955924.9), dbSNP rs1429339523, ClinGen allele CA376725484.